The following is an entry in ClinVar:

NM_144999.4(LRRC45):c.359C>T (p.Thr120Met)

Gene: LRRC45 (leucine rich repeat containing 45; plus strand). Cytogenetic location: 17q25.3.
Variant type: single nucleotide variant.
Coding change: c.359C>T on transcript NM_144999.4 (MANE Select); coding-DNA position 359, C replaced by T.
Protein change: p.Thr120Met; replaces threonine 120 with methionine.
Molecular consequence: missense variant.
Genome position (GRCh38, 1-based): chr17:82,025,005, C>T. VCF-style: chr17-82025005-C-T. GRCh37 (hg19) VCF-style: chr17-79982881-C-T.
Other names: short protein forms T120M.
Identifiers: ClinVar variation 4979313 (VCV004979313.1).

ClinVar aggregate classification (germline): Uncertain significance (1 of 4 stars; one submission).

Conditions:
LRRC45-related disorder. Also called: LRRC45-related condition.

gnomAD v4.1: 26 of 1,578,930 alleles (0.0016%); highest among the groups gnomAD compares: Middle Eastern, 0.05%; no homozygotes.

Submission:

PreventionGenetics, part of Exact Sciences
Classification: Uncertain significance for LRRC45-related condition. Last evaluated: 2026-02-18. Review status: criteria provided, single submitter. Criteria: ACMG Guidelines, 2015. Collection method: clinical testing. Allele origin: germline.
Comment: The LRRC45 c.359C>T variant is predicted to result in the amino acid substitution p.Thr120Met. To our knowledge, this variant has not been reported in the literature. This variant is reported in 0.0092% of alleles in individuals of African descent in gnomAD. At this time, the clinical significance of this variant is uncertain due to the absence of conclusive functional and genetic evidence.